The following is an entry in ClinVar:

ClinVar aggregate classification (germline): Uncertain significance. Review status: criteria provided, single submitter (1 of 4 stars). 2 submissions from 2 submitters: Uncertain significance (1). 1 of the submissions does not count toward it. Last evaluated 2024-09-29.

Conditions:
CHD8-related disorder. Also called: CHD8-related disorders; CHD8-related condition.

gnomAD v4.1: 1 of 1,613,926 alleles (0.000062%); highest among the groups gnomAD compares: East Asian, 0.0022%; no homozygotes.

Submissions (2):

Labcorp Genetics (formerly Invitae), Labcorp
Classification: Uncertain significance. Last evaluated: 2024-09-29. Review status: criteria provided, single submitter. Criteria: Invitae Variant Classification Sherloc (09022015). Collection method: clinical testing. Allele origin: germline.
Comment: This sequence change replaces glutamine, which is neutral and polar, with arginine, which is basic and polar, at codon 619 of the CHD8 protein (p.Gln619Arg). This variant is not present in population databases (gnomAD no frequency). This variant has not been reported in the literature in individuals affected with CHD8-related conditions. An algorithm developed to predict the effect of missense changes on protein structure and function (PolyPhen-2) suggests that this variant is likely to be tolerated. In summary, the available evidence is currently insufficient to determine the role of this variant in disease. Therefore, it has been classified as a Variant of Uncertain Significance.

PreventionGenetics, part of Exact Sciences
Classification: Uncertain significance for CHD8-related condition. Last evaluated: 2024-07-30. Review status: no assertion criteria provided. Collection method: clinical testing. Allele origin: germline. Not counted in ClinVar's aggregate classification.
Comment: The CHD8 c.1856A>G variant is predicted to result in the amino acid substitution p.Gln619Arg. To our knowledge, this variant has not been reported in the literature or in a large population database, indicating this variant is rare. At this time, the clinical significance of this variant is uncertain due to the absence of conclusive functional and genetic evidence.

NM_001170629.2(CHD8):c.1856A>G (p.Gln619Arg)

Gene: CHD8 (chromodomain helicase DNA binding protein 8; minus strand). Cytogenetic location: 14q11.2.
Variant type: single nucleotide variant.
Coding change: c.1856A>G on transcript NM_001170629.2 (MANE Select); coding-DNA position 1856, A replaced by G.
Protein change: p.Gln619Arg; replaces glutamine 619 with arginine.
Molecular consequence: missense variant.
Genome position (GRCh38, 1-based): chr14:21,415,768, T>C on the plus strand (A>G on the coding strand, the complement: CHD8 is on the minus strand). VCF-style: chr14-21415768-T-C. GRCh37 (hg19) VCF-style: chr14-21883927-T-C.
Other names: c.1019A>G, p.Gln340Arg (NM_020920.4); short protein forms Q340R, Q619R.
Identifiers: ClinVar variation 3355226 (VCV003355226.3).